The following is an entry in ClinVar:

NM_007294.4(BRCA1):c.3460T>A (p.Leu1154Ile)

Genes: BRCA1 (BRCA1 DNA repair associated; minus strand), LOC126862571 (BRD4-independent group 4 enhancer GRCh37_chr17:41243136-41244335; plus strand). Cytogenetic location: 17q21.31.
Variant type: single nucleotide variant.
Coding change: c.3460T>A on transcript NM_007294.4 (MANE Select); coding-DNA position 3460, T replaced by A.
Protein change: p.Leu1154Ile; replaces leucine 1154 with isoleucine.
Molecular consequence: missense variant. On other transcripts: intron variant (135).
Genome position (GRCh38, 1-based): chr17:43,092,071, A>T on the plus strand (T>A on the coding strand, the complement: BRCA1 is on the minus strand). VCF-style: chr17-43092071-A-T. GRCh37 (hg19) VCF-style: chr17-41244088-A-T.
Other names: c.710-1039T>A (NM_001408412.1, NM_001408409.1, NM_001408414.1 and 2 more transcripts); c.452-1039T>A (NM_001408509.1, NM_001408508.1); c.575-1039T>A (NM_001408491.1, NM_001408493.1, NM_001408490.1); c.461-1039T>A (NM_001408506.1, NM_001408507.1); c.578-1039T>A (NM_001408481.1, NM_001408480.1, NM_001408492.1 and 9 more transcripts); c.779-1039T>A (NM_001408408.1); c.662-1039T>A (NM_001408446.1, NM_001408435.1, NM_001408448.1 and 6 more transcripts); c.785-1039T>A (NM_001408401.1, NM_001408396.1, NM_001407985.1 and 13 more transcripts); and 41 more; short protein forms L1154I, L1107I, L1083I, L1127I, L1151I, L986I, L1042I, L1066I.
Identifiers: ClinVar variation 582774 (VCV000582774.13), dbSNP rs1567791553, ClinGen allele CA10595064.
Genomic context (GRCh38, chr17:43,092,071, plus strand): 5'-AACTTTCCTTAATGTCATTTTCAGCAAAACTAGTATCTTCCTTTATTTCACCATCATCTA[A>T]CAGGTCATCAGGTGTCTCAGAACAAACCTGAGATGCATGACTACTTCCCATAGGCTGTTC-3'
Protein context (NP_009225.1, residues 1144-1164): QVCSETPDDL[Leu1154Ile]DDGEIKEDTS

ClinVar aggregate classification (germline): Conflicting classifications of pathogenicity. Review status: criteria provided, conflicting classifications (1 of 4 stars). 3 submissions from 3 submitters: Uncertain significance (2); Likely benign (1). Last evaluated 2024-05-04.

Conditions:
Hereditary breast ovarian cancer syndrome. Also called: Hereditary breast and ovarian cancer syndrome; Hereditary breast and/or ovarian cancer syndrome; Hereditary breast and ovarian cancer syndrome (HBOC); Breast and ovarian cancer; BRCA1- and BRCA2-Associated Hereditary Breast and Ovarian Cancer; Hereditary breast and ovarian cancer. Identifiers: Orphanet 145, MedGen C0677776, MeSH D061325, MONDO:0003582. Disease mechanism: loss of function.
Hereditary cancer-predisposing syndrome. Also called: Neoplastic Syndromes, Hereditary; Hereditary Cancer Syndrome; Tumor predisposition; Hereditary neoplastic syndrome. Identifiers: Orphanet 140162, MedGen C0027672, MeSH D009386, MONDO:0015356.

Submissions (3):

Ambry Genetics
Classification: Uncertain significance for Hereditary cancer-predisposing syndrome. Last evaluated: 2024-05-04. Review status: criteria provided, single submitter. Criteria: Ambry Variant Classification Scheme 2023. Collection method: clinical testing. Allele origin: germline.
Comment: The p.L1154I variant (also known as c.3460T>A), located in coding exon 9 of the BRCA1 gene, results from a T to A substitution at nucleotide position 3460. The leucine at codon 1154 is replaced by isoleucine, an amino acid with highly similar properties. This amino acid position is conserved. In addition, the in silico prediction for this alteration is inconclusive. Based on the available evidence, the clinical significance of this variant remains unclear.

University of Washington Department of Laboratory Medicine, University of Washington
Classification: Likely benign for Hereditary cancer-predisposing syndrome. Last evaluated: 2023-03-23. Review status: criteria provided, single submitter. Criteria: Dines et al. (Genet Med. 2020). Collection method: curation. Allele origin: germline.
Comment: Missense variant in a coldspot region where missense variants are very unlikely to be pathogenic (PMID:31911673).

BRCA1 coldspot (exon 11 using historical exon numbering). Reclassification based on statistical prior probability

Labcorp Genetics (formerly Invitae), Labcorp
Classification: Uncertain significance for Hereditary breast ovarian cancer syndrome. Last evaluated: 2018-05-03. Review status: criteria provided, single submitter. Criteria: Invitae Variant Classification Sherloc (09022015). Collection method: clinical testing. Allele origin: germline.
Comment: Algorithms developed to predict the effect of missense changes on protein structure and function do not agree on the potential impact of this missense change (SIFT: "Tolerated"; PolyPhen-2: "Possibly Damaging"; Align-GVGD: "Class C0"). In summary, the available evidence is currently insufficient to determine the role of this variant in disease. Therefore, it has been classified as a Variant of Uncertain Significance. This variant has not been reported in the literature in individuals with BRCA1-related disease. This variant is not present in population databases (ExAC no frequency). This sequence change replaces leucine with isoleucine at codon 1154 of the BRCA1 protein (p.Leu1154Ile). The leucine residue is moderately conserved and there is a small physicochemical difference between leucine and isoleucine.